The following is an entry in ClinVar:

ClinVar aggregate classification (germline): Uncertain significance (1 of 4 stars; one submission).

Conditions:
Congenital factor VII deficiency. Identifiers: Orphanet 327, MedGen C0272320, MONDO:0009211, OMIM 227500.

Allele frequency attached by ClinVar (database versions not stated): TOPMed 0.00001.

Submission:

ISTH-SSC Genomics in Thrombosis and Hemostasis, KU Leuven, Center for Molecular and Vascular Biology
Classification: Uncertain significance for Congenital factor VII deficiency. Review status: criteria provided, single submitter. Criteria: ACMG Guidelines, 2015. Collection method: clinical testing. Allele origin: germline. Affected: yes. Observed: 1 homozygote.
Comment: Submitted to the GoldVariant database by Kathleen Freson, Center for Molecular and Vascular Biology

NM_019616.4(F7):c.740-329G>A

Gene: F7 (coagulation factor VII; plus strand). Cytogenetic location: 13q34.
Variant type: single nucleotide variant.
Coding change: c.740-329G>A on transcript NM_019616.4 (MANE Select); 329 bases into the intron before coding-DNA position 740, G replaced by A.
Molecular consequence: intron variant.
Genome position (GRCh38, 1-based): chr13:113,118,084, G>A. VCF-style: chr13-113118084-G-A. GRCh37 (hg19) VCF-style: chr13-113772398-G-A.
Other names: c.806-329G>A (NM_000131.5); c.554-329G>A (NM_001267554.2).
Identifiers: ClinVar variation 1703840 (VCV001703840.2), dbSNP rs1397662190, ClinGen allele CA695267669.